The following is an entry in ClinVar:

ClinVar aggregate classification (germline): Pathogenic (0 of 4 stars; one submission).

Conditions:
Hirschsprung disease, susceptibility to, 1 (HSCR1). Also called: RET-Related Hirschsprung Disease. Identifiers: Orphanet 388, MedGen C3888239, MONDO:0007723, OMIM 142623.

Submission:

U955 Equipe 11, INSERM
Classification: Pathogenic for Hirschsprung disease 1. Last evaluated: 2013-12-11. Review status: no assertion criteria provided. Collection method: clinical testing. Allele origin: de novo. Affected: yes.
Comment: Regulation of SOX10 expression

Literature cited by the submitters: PubMed 24357527.

NM_001301131.1(POLR2F):c.294-27388_*10734del

Genes: POLR2F-AS1 (POLR2F antisense RNA 1; minus strand), SOX10 (SRY-box transcription factor 10; minus strand), POLR2F (RNA polymerase II, I and III subunit F; plus strand), LOC126863146 (BRD4-independent group 4 enhancer GRCh37_chr22:38427029-38428228; plus strand), LOC130067396 (ATAC-STARR-seq lymphoblastoid active region 18989; plus strand) and 2 more. Cytogenetic location: 22q13.1.
Variant type: Deletion.
Coding change: c.294-27388_*10734del on transcript NM_001301131.1; 27388 bases into the intron before coding-DNA position 294 through 10734 bases downstream of the stop codon, this stretch deleted.
Identifiers: ClinVar variation 156718 (VCV000156718.2).